The following is an entry in ClinVar:

NM_021930.6(RINT1):c.1209T>G (p.Asp403Glu)

Gene: RINT1 (RAD50 interactor 1; plus strand). Cytogenetic location: 7q22.3.
Variant type: single nucleotide variant.
Coding change: c.1209T>G on transcript NM_021930.6 (MANE Select); coding-DNA position 1209, T replaced by G.
Protein change: p.Asp403Glu; replaces aspartic acid 403 with glutamic acid.
Molecular consequence: missense variant. On other transcripts: non-coding transcript variant (1).
Genome position (GRCh38, 1-based): chr7:105,550,362, T>G. VCF-style: chr7-105550362-T-G. GRCh37 (hg19) VCF-style: chr7-105190809-T-G.
Other names: c.975T>G, p.Asp325Glu (NM_001346599.2); c.186T>G, p.Asp62Glu (NM_001346600.2, NM_001346603.2); c.285T>G, p.Asp95Glu (NM_001346601.2); short protein forms D403E, D325E, D62E, D95E.
Identifiers: ClinVar variation 2447199 (VCV002447199.3), dbSNP rs1586241302, ClinGen allele CA368809195.
Genomic context (GRCh38, chr7:105,550,362, plus strand): 5'-GTTAGCCACTGATATTCCTTGTCTGCTATATGATGACAATCTCTTCTGTCATTTGGTGGA[T>G]GAAGTACTCTTGTTTGAAAGGGAGCTACACAGTGTTCATGGCTATCCTGGCACTTTTGCT-3'
Protein context (NP_068749.3, residues 393-413): YDDNLFCHLV[Asp403Glu]EVLLFERELH

ClinVar aggregate classification (germline): Uncertain significance (1 of 4 stars; one submission).

Submission:

Ambry Genetics
Classification: Uncertain significance. Last evaluated: 2025-07-04. Review status: criteria provided, single submitter. Criteria: Ambry Variant Classification Scheme 2023. Collection method: clinical testing. Allele origin: germline.
Comment: The p.D403E variant (also known as c.1209T>G), located in coding exon 9 of the RINT1 gene, results from a T to G substitution at nucleotide position 1209. The aspartic acid at codon 403 is replaced by glutamic acid, an amino acid with highly similar properties. This amino acid position is conserved. In addition, this alteration is predicted to be tolerated by in silico analysis. Since supporting evidence is limited at this time, the clinical significance of this alteration remains unclear.